The following is an entry in ClinVar:

ClinVar aggregate classification (germline): Conflicting classifications of pathogenicity. Review status: criteria provided, conflicting classifications (1 of 4 stars). 4 submissions from 4 submitters: Uncertain significance (1); Likely benign (2). 1 of the submissions does not count toward it. Last evaluated 2024-08-20.

Conditions:
Primary ciliary dyskinesia 13. Also called: CILIARY DYSKINESIA, PRIMARY, 13, WITH OR WITHOUT SITUS INVERSUS. Identifiers: Orphanet 244, MedGen C2750790, MONDO:0013174, OMIM 613193.
DNAAF1-related disorder. Also called: DNAAF1-related condition.
Primary ciliary dyskinesia. Also called: Ciliary dyskinesia. Identifiers: Orphanet 244, MedGen C0008780, MONDO:0016575, HP:0012265.

Allele frequency attached by ClinVar (database versions not stated): gnomAD exomes below 0.00001 and 0.00002; ExAC 0.00003; TOPMed 0.00007; gnomAD 0.00009.
gnomAD v4.1: 20 of 1,614,046 alleles (0.0012%); highest among the groups gnomAD compares: African/African-American, 0.025%; no homozygotes.

Submissions (4):

Labcorp Genetics (formerly Invitae), Labcorp
Classification: Likely benign for Primary ciliary dyskinesia. Last evaluated: 2024-08-20. Review status: criteria provided, single submitter. Criteria: Invitae Variant Classification Sherloc (09022015). Collection method: clinical testing. Allele origin: germline.

Ambry Genetics
Classification: Likely benign for Primary ciliary dyskinesia. Last evaluated: 2020-03-16. Review status: criteria provided, single submitter. Criteria: Ambry Variant Classification Scheme 2023. Collection method: clinical testing. Allele origin: germline.

Illumina Laboratory Services, Illumina
Classification: Uncertain significance for Primary ciliary dyskinesia 13. Last evaluated: 2018-01-12. Review status: criteria provided, single submitter. Criteria: ICSL Variant Classification Criteria 13 December 2019. Collection method: clinical testing. Allele origin: germline.

PreventionGenetics, part of Exact Sciences
Classification: Likely benign for DNAAF1-related condition. Last evaluated: 2021-03-30. Review status: no assertion criteria provided. Collection method: clinical testing. Allele origin: germline. Not counted in ClinVar's aggregate classification.
Comment: This variant is classified as likely benign based on ACMG/AMP sequence variant interpretation guidelines (Richards et al. 2015 PMID: 25741868, with internal and published modifications).

NM_178452.6(DNAAF1):c.1735T>C (p.Leu579=)

Gene: DNAAF1 (dynein axonemal assembly factor 1; plus strand). Cytogenetic location: 16q24.1.
Variant type: single nucleotide variant.
Coding change: c.1735T>C on transcript NM_178452.6 (MANE Select); coding-DNA position 1735, T replaced by C.
Protein change: p.Leu579=; no amino-acid change (leucine 579 retained).
Molecular consequence: synonymous variant.
Genome position (GRCh38, 1-based): chr16:84,175,969, T>C. VCF-style: chr16-84175969-T-C. GRCh37 (hg19) VCF-style: chr16-84209575-T-C.
Other names: c.1735T>C (NM_178452.5); c.1027T>C, p.Leu343= (NM_001318756.1).
Identifiers: ClinVar variation 884530 (VCV000884530.17), dbSNP rs764511452, ClinGen allele CA8203020.